The following is an entry in ClinVar:

NM_001165963.4(SCN1A):c.1275C>A (p.Ala425=)

Gene: SCN1A (sodium voltage-gated channel alpha subunit 1; minus strand). Cytogenetic location: 2q24.3.
Variant type: single nucleotide variant.
Coding change: c.1275C>A on transcript NM_001165963.4 (MANE Select); coding-DNA position 1275, C replaced by A.
Protein change: p.Ala425=; no amino-acid change (alanine 425 retained).
Molecular consequence: synonymous variant. On other transcripts: 5 prime UTR variant (1), non-coding transcript variant (1).
Genome position (GRCh38, 1-based): chr2:166,046,872, G>T on the plus strand (C>A on the coding strand, the complement: SCN1A is on the minus strand). VCF-style: chr2-166046872-G-T. GRCh37 (hg19) VCF-style: chr2-166903382-G-T.
Other names: c.1275C>A, p.Ala425= (NM_001165964.3, NM_001202435.3, NM_001353948.2 and 10 more transcripts); c.-1151C>A (NM_001353961.2).
Identifiers: ClinVar variation 378900 (VCV000378900.1), dbSNP rs1057520401, ClinGen allele CA16603842.

ClinVar aggregate classification (germline): Likely benign (1 of 4 stars; one submission).

Submission:

GeneDx
Classification: Likely benign. Last evaluated: 2015-12-22. Review status: criteria provided, single submitter. Criteria: GeneDx Variant Classification (06012015). Collection method: clinical testing. Allele origin: germline. Affected: yes.
Comment: This variant is considered likely benign or benign based on one or more of the following criteria: it is a conservative change, it occurs at a poorly conserved position in the protein, it is predicted to be benign by multiple in silico algorithms, and/or has population frequency not consistent with disease.